The following is an entry in ClinVar:

ClinVar aggregate classification (germline): Uncertain significance (1 of 4 stars; one submission).

Conditions:
Joubert syndrome. Also called: CEREBELLOPARENCHYMAL DISORDER IV; JOUBERT-BOLTSHAUSER SYNDROME; Familial aplasia of the vermis. Identifiers: Orphanet 475, MedGen C5979921, MONDO:0018772.
Nephronophthisis. Also called: Juvenile Nephronophthisis. Identifiers: Orphanet 655, MedGen C0687120, MONDO:0019005, HP:0000090.
Meckel-Gruber syndrome. Also called: DYSENCEPHALIA SPLANCHNOCYSTICA; GRUBER SYNDROME; Dysencephalia splachnocystica. Identifiers: Orphanet 564, MedGen C0265215, MONDO:0018921.

Allele frequency attached by ClinVar (database versions not stated): ExAC 0.00001.
gnomAD v4.1: 1 of 1,595,152 alleles (0.000063%); highest among the groups gnomAD compares: Admixed American, 0.0018%; no homozygotes.

Submission:

Labcorp Genetics (formerly Invitae), Labcorp
Classification: Uncertain significance for Joubert syndrome; Meckel-Gruber syndrome; Nephronophthisis. Last evaluated: 2022-08-19. Review status: criteria provided, single submitter. Criteria: Invitae Variant Classification Sherloc (09022015). Collection method: clinical testing. Allele origin: germline.
Comment: This sequence change replaces lysine, which is basic and polar, with arginine, which is basic and polar, at codon 2090 of the CEP290 protein (p.Lys2090Arg). The frequency data for this variant in the population databases is considered unreliable, as metrics indicate poor data quality at this position in the gnomAD database. This variant has not been reported in the literature in individuals affected with CEP290-related conditions. Algorithms developed to predict the effect of missense changes on protein structure and function (SIFT, PolyPhen-2, Align-GVGD) all suggest that this variant is likely to be tolerated. Algorithms developed to predict the effect of sequence changes on RNA splicing suggest that this variant may disrupt the consensus splice site. In summary, the available evidence is currently insufficient to determine the role of this variant in disease. Therefore, it has been classified as a Variant of Uncertain Significance.

NM_025114.4(CEP290):c.6269A>G (p.Lys2090Arg)

Gene: CEP290 (centrosomal protein 290; minus strand). Cytogenetic location: 12q21.32.
Variant type: single nucleotide variant.
Coding change: c.6269A>G on transcript NM_025114.4 (MANE Select); coding-DNA position 6269, A replaced by G.
Protein change: p.Lys2090Arg; replaces lysine 2090 with arginine.
Molecular consequence: missense variant.
Genome position (GRCh38, 1-based): chr12:88,063,982, T>C on the plus strand (A>G on the coding strand, the complement: CEP290 is on the minus strand). VCF-style: chr12-88063982-T-C. GRCh37 (hg19) VCF-style: chr12-88457759-T-C.
Other names: short protein forms K2090R.
Identifiers: ClinVar variation 2087996 (VCV002087996.1), dbSNP rs770358437, ClinGen allele CA6711540.